The following is an entry in ClinVar:

NM_000168.6(GLI3):c.2447A>C (p.Asn816Thr)

Gene: GLI3 (GLI family zinc finger 3; minus strand). Cytogenetic location: 7p14.1.
Variant type: single nucleotide variant.
Coding change: c.2447A>C on transcript NM_000168.6 (MANE Select); coding-DNA position 2447, A replaced by C.
Protein change: p.Asn816Thr; replaces asparagine 816 with threonine.
Molecular consequence: missense variant.
Genome position (GRCh38, 1-based): chr7:41,966,626, T>G on the plus strand (A>C on the coding strand, the complement: GLI3 is on the minus strand). VCF-style: chr7-41966626-T-G. GRCh37 (hg19) VCF-style: chr7-42006224-T-G.
Other names: short protein forms N816T.
Identifiers: ClinVar variation 1699793 (VCV001699793.3), dbSNP rs968591547, ClinGen allele CA156907729.

ClinVar aggregate classification (germline): Uncertain significance. Review status: criteria provided, multiple submitters, no conflicts (2 of 4 stars). 2 submissions from 2 submitters: Uncertain significance (2). Last evaluated 2024-02-19.

Conditions:
Polysyndactyly 4. Also called: Polysyndactyly uncomplicated; Preaxial polydactyly 4. Identifiers: Orphanet 93338, MedGen C1868111, MONDO:0008272, OMIM 174700.
Polydactyly, postaxial, type A1. Identifiers: MedGen C4282400, MONDO:0008266, OMIM 174200.
Pallister-Hall syndrome (PHS). Also called: HYPOTHALAMIC HAMARTOBLASTOMA, HYPOPITUITARISM, IMPERFORATE ANUS, AND POSTAXIAL POLYDACTYLY; GLI3-Related Pallister-Hall Syndrome. Identifiers: Orphanet 672, MedGen C0265220, MONDO:0007804, OMIM 146510.
Greig cephalopolysyndactyly syndrome (GCPS). Also called: POLYSYNDACTYLY WITH PECULIAR SKULL SHAPE; GLI3-Related Greig Cephalopolysyndactyly Syndrome; Greig syndrome. Identifiers: Orphanet 380, MedGen C0265306, MONDO:0008287, OMIM 175700.

Allele frequency attached by ClinVar (database versions not stated): TOPMed below 0.00001; gnomAD 0.00001.

Submissions (2):

Fulgent Genetics
Classification: Uncertain significance for Pallister-Hall syndrome; Polydactyly, postaxial, type A1; Polysyndactyly 4; Greig cephalopolysyndactyly syndrome. Last evaluated: 2024-02-19. Review status: criteria provided, single submitter. Criteria: ACMG Guidelines, 2015. Collection method: clinical testing. Allele origin: germline.

GeneDx
Classification: Uncertain significance. Last evaluated: 2022-02-01. Review status: criteria provided, single submitter. Criteria: GeneDx Variant Classification Process June 2021. Collection method: clinical testing. Allele origin: germline. Affected: yes.
Comment: Not observed at significant frequency in large population cohorts (gnomAD); In silico analysis supports that this missense variant has a deleterious effect on protein structure/function; Has not been previously published as pathogenic or benign to our knowledge.